The following is an entry in ClinVar:

ClinVar aggregate classification (germline): Uncertain significance (1 of 4 stars; one submission).

Submission:

GeneDx
Classification: Uncertain significance. Last evaluated: 2024-06-13. Review status: criteria provided, single submitter. Criteria: GeneDx Variant Classification Process June 2021. Collection method: clinical testing. Allele origin: germline. Affected: yes.
Comment: Not observed at significant frequency in large population cohorts (gnomAD); In silico analysis indicates that this missense variant does not alter protein structure/function; Has not been previously published as pathogenic or benign to our knowledge

NM_006885.4(ZFHX3):c.1590T>G (p.Ile530Met)

Gene: ZFHX3 (zinc finger homeobox 3; minus strand). Cytogenetic location: 16q22.3.
Variant type: single nucleotide variant.
Coding change: c.1590T>G on transcript NM_006885.4 (MANE Select); coding-DNA position 1590, T replaced by G.
Protein change: p.Ile530Met; replaces isoleucine 530 with methionine.
Molecular consequence: missense variant. On other transcripts: intron variant (1).
Genome position (GRCh38, 1-based): chr16:72,958,556, A>C on the plus strand (T>G on the coding strand, the complement: ZFHX3 is on the minus strand). VCF-style: chr16-72958556-A-C. GRCh37 (hg19) VCF-style: chr16-72992455-A-C.
Other names: c.1590T>G, p.Ile530Met (NM_001386735.1); c.-23-7591T>G (NM_001164766.2); short protein forms I530M.
Identifiers: ClinVar variation 3390612 (VCV003390612.1).